The following is an entry in ClinVar:

NM_001130009.3(GEN1):c.2081A>G (p.Asn694Ser)

Gene: GEN1 (GEN1 Holliday junction 5' flap endonuclease; plus strand). Cytogenetic location: 2p24.2.
Variant type: single nucleotide variant.
Coding change: c.2081A>G on transcript NM_001130009.3 (MANE Select); coding-DNA position 2081, A replaced by G.
Protein change: p.Asn694Ser; replaces asparagine 694 with serine.
Molecular consequence: missense variant.
Genome position (GRCh38, 1-based): chr2:17,781,293, A>G. VCF-style: chr2-17781293-A-G. GRCh37 (hg19) VCF-style: chr2-17962560-A-G.
Other names: c.2081A>G, p.Asn694Ser (NM_182625.5); short protein forms N694S.
Identifiers: ClinVar variation 3853558 (VCV003853558.1).

ClinVar aggregate classification (germline): Uncertain significance (1 of 4 stars; one submission).

gnomAD v4.1: 2 of 1,613,780 alleles (0.00012%); highest among the groups gnomAD compares: Middle Eastern, 0.017%; no homozygotes.

Submission:

Ambry Genetics
Classification: Uncertain significance. Last evaluated: 2025-02-08. Review status: criteria provided, single submitter. Criteria: Ambry Variant Classification Scheme 2023. Collection method: clinical testing. Allele origin: germline.
Comment: The p.N694S variant (also known as c.2081A>G), located in coding exon 13 of the GEN1 gene, results from an A to G substitution at nucleotide position 2081. The asparagine at codon 694 is replaced by serine, an amino acid with highly similar properties. This amino acid position is conserved. In addition, this alteration is predicted to be tolerated by in silico analysis. Based on the available evidence, the clinical significance of this variant remains unclear.